The following is an entry in ClinVar:

ClinVar aggregate classification (germline): Likely benign. Review status: criteria provided, multiple submitters, no conflicts (2 of 4 stars). 2 submissions from 2 submitters: Likely benign (2). Last evaluated 2026-02-27.

gnomAD v4.1: 2 of 1,613,264 alleles (0.00012%); highest among the groups gnomAD compares: African/African-American, 0.0027%; no homozygotes.

Submissions (2):

Women's Health and Genetics/Laboratory Corporation of America, LabCorp
Classification: Likely benign. Last evaluated: 2026-02-27. Review status: criteria provided, single submitter. Criteria: LabCorp Variant Classification Summary - May 2015. Collection method: clinical testing. Allele origin: germline.
Comment: Variant summary: KMT2A c.11163G>A alters a conserved nucleotide resulting in a synonymous change. Consensus agreement among computation tools predict no significant impact on normal splicing. However, these predictions have yet to be confirmed by functional studies. The variant was absent in 251382 control chromosomes. The available data on variant occurrences in the general population are insufficient to allow any conclusion about variant significance. To our knowledge, no occurrence of c.11163G>A in individuals affected with KMT2A-related conditions and no experimental evidence demonstrating its impact on protein function have been reported. ClinVar contains an entry for this variant (Variation ID: 3651685). Based on the evidence outlined above, the variant was classified as likely benign.

Labcorp Genetics (formerly Invitae), Labcorp
Classification: Likely benign. Last evaluated: 2025-08-11. Review status: criteria provided, single submitter. Criteria: Invitae Variant Classification Sherloc (09022015). Collection method: clinical testing. Allele origin: germline.

NM_001197104.2(KMT2A):c.11163G>A (p.Arg3721=)

Genes: KMT2A (lysine methyltransferase 2A; plus strand), TTC36-AS1 (TTC36 and KMT2A antisense RNA 1; minus strand). Cytogenetic location: 11q23.3.
Variant type: single nucleotide variant.
Coding change: c.11163G>A on transcript NM_001197104.2 (MANE Select); coding-DNA position 11163, G replaced by A.
Protein change: p.Arg3721=; no amino-acid change (arginine 3721 retained).
Molecular consequence: synonymous variant. On other transcripts: non-coding transcript variant (4).
Genome position (GRCh38, 1-based): chr11:118,519,634, G>A. VCF-style: chr11-118519634-G-A. GRCh37 (hg19) VCF-style: chr11-118390349-G-A.
Other names: c.11253G>A, p.Arg3751= (NM_001412597.1); c.11154G>A, p.Arg3718= (NM_005933.4).
Identifiers: ClinVar variation 3651685 (VCV003651685.3).
Genomic context (GRCh38, chr11:118,519,634, plus strand): 5'-GTTGACTGCGCTCCTCACTTCCCTGGTGCTTCTGATTCTTCTAGGTGTTAACGGTTTGAG[G>A]ATGCTGGGGATTCTCCATGATGCAGTTGTGTTCCTCATTGAGCAGCTGTCTGGTGCCAAG-3'
Protein context (NP_001184033.1, residues 3711-3731): QLSFAGVNGL[Arg3721=]MLGILHDAVV